The following is an entry in ClinVar:

ClinVar aggregate classification (germline): Uncertain significance. Review status: criteria provided, multiple submitters, no conflicts (2 of 4 stars). 2 submissions from 2 submitters: Uncertain significance (2). Last evaluated 2025-12-24.

Conditions:
Cardiovascular phenotype. Identifiers: MedGen CN230736.
Progressive familial heart block type IB (PFHB1B). Identifiers: Orphanet 871, MedGen C1970298, MONDO:0011474, OMIM 604559.

gnomAD v4.1: 2 of 1,601,086 alleles (0.00012%); highest among the groups gnomAD compares: Non-Finnish European, 0.00017%; no homozygotes.

Submissions (2):

Labcorp Genetics (formerly Invitae), Labcorp
Classification: Uncertain significance for Progressive familial heart block type IB. Last evaluated: 2025-12-24. Review status: criteria provided, single submitter. Criteria: Invitae Variant Classification Sherloc (09022015). Collection method: clinical testing. Allele origin: germline.
Comment: This sequence change replaces alanine, which is neutral and non-polar, with serine, which is neutral and polar, at codon 1192 of the TRPM4 protein (p.Ala1192Ser). This variant is not present in population databases (gnomAD no frequency). This variant has not been reported in the literature in individuals affected with TRPM4-related conditions. ClinVar contains an entry for this variant (Variation ID: 1419221). An algorithm developed to predict the effect of missense changes on protein structure and function outputs the following: PolyPhen-2: "Benign". The serine amino acid residue is found in multiple mammalian species, which suggests that this missense change does not adversely affect protein function. In summary, the available evidence is currently insufficient to determine the role of this variant in disease. Therefore, it has been classified as a Variant of Uncertain Significance.

Ambry Genetics
Classification: Uncertain significance for Cardiovascular phenotype. Last evaluated: 2020-12-01. Review status: criteria provided, single submitter. Criteria: Ambry Variant Classification Scheme 2023. Collection method: clinical testing. Allele origin: germline.
Comment: The p.A1192S variant (also known as c.3574G>T), located in coding exon 24 of the TRPM4 gene, results from a G to T substitution at nucleotide position 3574. The alanine at codon 1192 is replaced by serine, an amino acid with similar properties. This amino acid position is well conserved in available vertebrate species. In addition, this alteration is predicted to be tolerated by in silico analysis. Since supporting evidence is limited at this time, the clinical significance of this alteration remains unclear.

NM_017636.4(TRPM4):c.3574G>T (p.Ala1192Ser)

Gene: TRPM4 (transient receptor potential cation channel subfamily M member 4; plus strand). Cytogenetic location: 19q13.33.
Variant type: single nucleotide variant.
Coding change: c.3574G>T on transcript NM_017636.4 (MANE Select); coding-DNA position 3574, G replaced by T.
Protein change: p.Ala1192Ser; replaces alanine 1192 with serine.
Molecular consequence: missense variant.
Genome position (GRCh38, 1-based): chr19:49,211,203, G>T. VCF-style: chr19-49211203-G-T. GRCh37 (hg19) VCF-style: chr19-49714460-G-T.
Other names: c.3139G>T, p.Ala1047Ser (NM_001195227.2); c.3229G>T, p.Ala1077Ser (NM_001321281.2); c.1966G>T, p.Ala656Ser (NM_001321282.2); c.3052G>T, p.Ala1018Ser (NM_001321283.2); c.2512G>T, p.Ala838Ser (NM_001321285.2); short protein forms A656S, A1018S, A838S, A1047S, A1077S, A1192S.
Identifiers: ClinVar variation 1419221 (VCV001419221.8), dbSNP rs2146000247, ClinGen allele CA406773683.